The following is an entry in ClinVar:

NM_007327.4(GRIN1):c.1198-2del

Gene: GRIN1 (glutamate ionotropic receptor NMDA type subunit 1; plus strand). Cytogenetic location: 9q34.3.
Variant type: Deletion.
Coding change: c.1198-2del on transcript NM_007327.4 (MANE Select); the canonical splice acceptor site of the intron before coding-DNA position 1198, one base deleted (A; older notation c.1198-2delA).
Molecular consequence: splice acceptor variant.
Genome position (GRCh38, 1-based): chr9:137,161,054, A deleted. VCF-style (leftmost placement, unchanged base first): chr9-137161053-CA-C. GRCh37 (hg19) VCF-style: chr9-140055505-CA-C.
Other names: c.1261-2del (NM_001185090.2, NM_001185091.2); c.1198-2del (NM_021569.4, NM_000832.7).
Identifiers: ClinVar variation 472571 (VCV000472571.10), dbSNP rs1212517874, ClinGen allele CA591220542.

ClinVar aggregate classification (germline): Likely pathogenic (1 of 4 stars; one submission).

Conditions:
Neurodevelopmental disorder with or without hyperkinetic movements and seizures, autosomal dominant. Also called: Intellectual disability, autosomal dominant 8. Identifiers: MedGen C3280282, MONDO:0013655, OMIM 614254.

Allele frequency attached by ClinVar (database versions not stated): gnomAD 0.00001.

Submission:

Labcorp Genetics (formerly Invitae), Labcorp
Classification: Likely pathogenic for Neurodevelopmental disorder with or without hyperkinetic movements and seizures, autosomal dominant. Last evaluated: 2025-04-14. Review status: criteria provided, single submitter. Criteria: Invitae Variant Classification Sherloc (09022015). Collection method: clinical testing. Allele origin: germline.
Comment: This sequence change affects a splice site in intron 8 of the GRIN1 gene. It is expected to disrupt RNA splicing. Variants that disrupt the donor or acceptor splice site typically lead to a loss of protein function (PMID: 16199547), and loss-of-function variants in GRIN1 are known to be pathogenic (PMID: 27164704, 35393335). This variant is present in population databases (no rsID available, gnomAD 0.01%). This variant has not been reported in the literature in individuals affected with GRIN1-related conditions. ClinVar contains an entry for this variant (Variation ID: 472571). Algorithms developed to predict the effect of sequence changes on RNA splicing suggest that this variant may disrupt the consensus splice site. In summary, the currently available evidence indicates that the variant is pathogenic, but additional data are needed to prove that conclusively. Therefore, this variant has been classified as Likely Pathogenic.

Literature cited by the submitters: PubMed 16199547; PubMed 27164704; PubMed 35393335.